The following is an entry in ClinVar:

ClinVar aggregate classification (germline): Uncertain significance (1 of 4 stars; one submission).

Submission:

Labcorp Genetics (formerly Invitae), Labcorp
Classification: Uncertain significance. Last evaluated: 2023-12-19. Review status: criteria provided, single submitter. Criteria: Invitae Variant Classification Sherloc (09022015). Collection method: clinical testing. Allele origin: germline.
Comment: This sequence change replaces proline, which is neutral and non-polar, with arginine, which is basic and polar, at codon 1250 of the POLE protein (p.Pro1250Arg). This variant is not present in population databases (gnomAD no frequency). This variant has not been reported in the literature in individuals affected with POLE-related conditions. Advanced modeling of protein sequence and biophysical properties (such as structural, functional, and spatial information, amino acid conservation, physicochemical variation, residue mobility, and thermodynamic stability) performed at Invitae indicates that this missense variant is not expected to disrupt POLE protein function with a negative predictive value of 80%. In summary, the available evidence is currently insufficient to determine the role of this variant in disease. Therefore, it has been classified as a Variant of Uncertain Significance.

NM_006231.4(POLE):c.3749C>G (p.Pro1250Arg)

Gene: POLE (DNA polymerase epsilon, catalytic subunit; minus strand). Cytogenetic location: 12q24.33.
Variant type: single nucleotide variant.
Coding change: c.3749C>G on transcript NM_006231.4 (MANE Select); coding-DNA position 3749, C replaced by G.
Protein change: p.Pro1250Arg; replaces proline 1250 with arginine.
Molecular consequence: missense variant.
Genome position (GRCh38, 1-based): chr12:132,649,723, G>C on the plus strand (C>G on the coding strand, the complement: POLE is on the minus strand). VCF-style: chr12-132649723-G-C. GRCh37 (hg19) VCF-style: chr12-133226309-G-C.
Other names: short protein forms P1250R.
Identifiers: ClinVar variation 2704056 (VCV002704056.3), dbSNP rs2541953690, ClinGen allele CA387386167.